The following is an entry in ClinVar:

NM_014927.5(CNKSR2):c.1057A>T (p.Ile353Phe)

Gene: CNKSR2 (connector enhancer of kinase suppressor of Ras 2; plus strand). Cytogenetic location: Xp22.12.
Variant type: single nucleotide variant.
Coding change: c.1057A>T on transcript NM_014927.5 (MANE Select); coding-DNA position 1057, A replaced by T.
Protein change: p.Ile353Phe; replaces isoleucine 353 with phenylalanine.
Molecular consequence: missense variant.
Genome position (GRCh38, 1-based): chrX:21,526,966, A>T. VCF-style: chrX-21526966-A-T. GRCh37 (hg19) VCF-style: chrX-21545084-A-T.
Other names: c.1057A>T, p.Ile353Phe (NM_001168647.3, NM_001168648.3, NM_001330773.2); c.910A>T, p.Ile304Phe (NM_001168649.3, NM_001330770.2, NM_001330771.2 and 1 more transcripts); short protein forms I304F, I353F.
Identifiers: ClinVar variation 3603239 (VCV003603239.1).
Genomic context (GRCh38, chrX:21,526,966, plus strand): 5'-CCTTCCAGCACCATCAGTACACCCACCAAAAGAGACAGTTCTGCCCTCCAGGATCTCTAC[A>T]TTCCCCCTCCTCCTGCAGAACCATATATTCCCAGGTATAAAACTATCACGTTGTCCTAGG-3'
Protein context (NP_055742.2, residues 343-363): RDSSALQDLY[Ile353Phe]PPPPAEPYIP

ClinVar aggregate classification (germline): Uncertain significance (1 of 4 stars; one submission).

gnomAD v4.1: 13 of 1,205,756 alleles (0.0011%); highest among the groups gnomAD compares: Middle Eastern, 0.023%; no homozygotes.

Submission:

GeneDx
Classification: Uncertain significance. Last evaluated: 2024-08-06. Review status: criteria provided, single submitter. Criteria: GeneDx Variant Classification Process June 2021. Collection method: clinical testing. Allele origin: germline. Affected: yes.
Comment: Not observed at significant frequency in large population cohorts (gnomAD); In silico analysis supports that this missense variant has a deleterious effect on protein structure/function; Has not been previously published as pathogenic or benign to our knowledge